The following is an entry in ClinVar:

ClinVar aggregate classification (germline): Uncertain significance. Review status: criteria provided, single submitter (1 of 4 stars). 2 submissions from 2 submitters: Uncertain significance (1). 1 of the submissions does not count toward it. Last evaluated 2021-10-27.

Conditions:
Tuberous sclerosis 2 (TSC2). Identifiers: Orphanet 805, MedGen C1860707, MONDO:0013199, OMIM 613254.
Tuberous sclerosis syndrome (TSC). Also called: Tuberous Sclerosis Complex; Tuberous sclerosis. Identifiers: Orphanet 805, MedGen C0041341, MONDO:0001734.

Submissions (2):

Labcorp Genetics (formerly Invitae), Labcorp
Classification: Uncertain significance for Tuberous sclerosis 2. Last evaluated: 2021-10-27. Review status: criteria provided, single submitter. Criteria: Invitae Variant Classification Sherloc (09022015). Collection method: clinical testing. Allele origin: germline.
Comment: In summary, the available evidence is currently insufficient to determine the role of this variant in disease. Therefore, it has been classified as a Variant of Uncertain Significance. Advanced modeling of protein sequence and biophysical properties (such as structural, functional, and spatial information, amino acid conservation, physicochemical variation, residue mobility, and thermodynamic stability) performed at Invitae indicates that this missense variant is not expected to disrupt TSC2 protein function. ClinVar contains an entry for this variant (Variation ID: 49588). This variant has not been reported in the literature in individuals affected with TSC2-related conditions. This variant is not present in population databases (gnomAD no frequency). This sequence change replaces glutamic acid, a(n) acidic and polar amino acid, with aspartic acid, a(n) acidic and polar amino acid, at codon 1087 of the TSC2 protein (p.Glu1087Asp).

Tuberous sclerosis database (TSC2)
No classification provided. Condition: TSC. Review status: no classification provided. Criteria: Tuberous Sclerosis Database Assertion Criteria 2015. Collection method: curation. Allele origin: germline. Affected: yes. Not counted in ClinVar's aggregate classification.

NM_000548.5(TSC2):c.3261G>C (p.Glu1087Asp)

Gene: TSC2 (TSC complex subunit 2; plus strand). Cytogenetic location: 16p13.3.
Variant type: single nucleotide variant.
Coding change: c.3261G>C on transcript NM_000548.5 (MANE Select); coding-DNA position 3261, G replaced by C.
Protein change: p.Glu1087Asp; replaces glutamic acid 1087 with aspartic acid.
Molecular consequence: missense variant.
Genome position (GRCh38, 1-based): chr16:2,079,405, G>C. VCF-style: chr16-2079405-G-C. GRCh37 (hg19) VCF-style: chr16-2129406-G-C.
Other names: c.3129G>C, p.Glu1043Asp (NM_001077183.3, NM_001370404.1); c.3261G>C, p.Glu1087Asp (NM_001114382.3); c.3021G>C, p.Glu1007Asp (NM_001318827.2); c.2985G>C, p.Glu995Asp (NM_001318829.2); c.2529G>C, p.Glu843Asp (NM_001318831.2); c.3162G>C, p.Glu1054Asp (NM_001318832.2); c.3132G>C, p.Glu1044Asp (NM_001363528.2, NM_001370405.1, NM_021055.3); short protein forms E1087D, E1044D, E1043D, E843D, E1054D, E1007D, E995D.
Identifiers: ClinVar variation 49588 (VCV000049588.7), dbSNP rs45438093, ClinGen allele CA018783.